The following is an entry in ClinVar:

ClinVar aggregate classification (germline): Uncertain significance (1 of 4 stars; one submission).

Conditions:
Kennedy disease (SMAX1). Also called: SPINAL AND BULBAR MUSCULAR ATROPHY, X-LINKED 1; KENNEDY SPINAL AND BULBAR MUSCULAR ATROPHY; Spinal and Bulbar Muscular Atrophy. Identifiers: Orphanet 481, MedGen C1839259, MONDO:0010735, OMIM 313200.
Androgen resistance syndrome (AIS). Also called: ANDROGEN RECEPTOR DEFICIENCY; DIHYDROTESTOSTERONE RECEPTOR DEFICIENCY; TESTICULAR FEMINIZATION SYNDROME; Androgen insensitivity syndrome; Androgen insensitivity; DHTR DEFICIENCY. Identifiers: Orphanet 754, Orphanet 99429, MedGen C0039585, MONDO:0019154, OMIM 300068. Disease mechanism: loss of function.

Submission:

Labcorp Genetics (formerly Invitae), Labcorp
Classification: Uncertain significance for Kennedy disease; Androgen resistance syndrome. Last evaluated: 2024-07-17. Review status: criteria provided, single submitter. Criteria: Invitae Variant Classification Sherloc (09022015). Collection method: clinical testing. Allele origin: germline.
Comment: This sequence change replaces valine, which is neutral and non-polar, with phenylalanine, which is neutral and non-polar, at codon 737 of the AR protein (p.Val737Phe). This variant is not present in population databases (gnomAD no frequency). This variant has not been reported in the literature in individuals affected with AR-related conditions. Advanced modeling of protein sequence and biophysical properties (such as structural, functional, and spatial information, amino acid conservation, physicochemical variation, residue mobility, and thermodynamic stability) has been performed at Invitae for this missense variant, however the output from this modeling did not meet the statistical confidence thresholds required to predict the impact of this variant on AR protein function. In summary, the available evidence is currently insufficient to determine the role of this variant in disease. Therefore, it has been classified as a Variant of Uncertain Significance.

NM_000044.6(AR):c.2209G>T (p.Val737Phe)

Gene: AR (androgen receptor; plus strand). Cytogenetic location: Xq12.
Variant type: single nucleotide variant.
Coding change: c.2209G>T on transcript NM_000044.6 (MANE Select); coding-DNA position 2209, G replaced by T.
Protein change: p.Val737Phe; replaces valine 737 with phenylalanine.
Molecular consequence: missense variant.
Genome position (GRCh38, 1-based): chrX:67,717,513, G>T. VCF-style: chrX-67717513-G-T. GRCh37 (hg19) VCF-style: chrX-66937355-G-T.
Other names: c.613G>T, p.Val205Phe (NM_001011645.3); short protein forms V205F, V737F.
Identifiers: ClinVar variation 3757284 (VCV003757284.2).